The following is an entry in ClinVar:

NM_000020.3(ACVRL1):c.1048+5G>A

Gene: ACVRL1 (activin A receptor like type 1; plus strand). Cytogenetic location: 12q13.13.
Variant type: single nucleotide variant.
Coding change: c.1048+5G>A on transcript NM_000020.3 (MANE Select); 5 bases into the intron after coding-DNA position 1048, G replaced by A.
Molecular consequence: intron variant.
Genome position (GRCh38, 1-based): chr12:51,915,505, G>A. VCF-style: chr12-51915505-G-A. GRCh37 (hg19) VCF-style: chr12-52309289-G-A.
Other names: c.1048+5G>A (NM_001077401.2).
Identifiers: ClinVar variation 2137372 (VCV002137372.4), dbSNP rs2540165040, ClinGen allele CA2580086492.
Genomic context (GRCh38, chr12:51,915,505, plus strand): 5'-CAAGAGCCGCAATGTGCTGGTCAAGAGCAACCTGCAGTGTTGCATCGCCGACCTGGGTGA[G>A]CCGGGCGGGGCAGGGGCGCGCCCTTCACAGGTGGGCGGAGCTTGTGCGCTCTCCTCTCCT-3'

ClinVar aggregate classification (germline): Likely pathogenic (1 of 4 stars; one submission).

Conditions:
Telangiectasia, hereditary hemorrhagic, type 2 (HHT2). Also called: Telangiectasia, hereditary hemorrhagic, type II; ACVRL1-Related Hereditary Hemorrhagic Telangiectasia. Identifiers: Orphanet 774, MedGen C1838163, MONDO:0010880, OMIM 600376. Disease mechanism: loss of function.

Submission:

Labcorp Genetics (formerly Invitae), Labcorp
Classification: Likely pathogenic for Telangiectasia, hereditary hemorrhagic, type 2. Last evaluated: 2023-05-22. Review status: criteria provided, single submitter. Criteria: Invitae Variant Classification Sherloc (09022015). Collection method: clinical testing. Allele origin: germline.
Comment: In summary, the currently available evidence indicates that the variant is pathogenic, but additional data are needed to prove that conclusively. Therefore, this variant has been classified as Likely Pathogenic. Variants that disrupt the consensus splice site are a relatively common cause of aberrant splicing (PMID: 17576681, 9536098). Studies have shown that this variant alters mRNA splicing and is expected to lead to the loss of protein expression (PMID: 26176610). This sequence change falls in intron 7 of the ACVRL1 gene. It does not directly change the encoded amino acid sequence of the ACVRL1 protein. It affects a nucleotide within the consensus splice site. This variant is not present in population databases (gnomAD no frequency). This variant has been observed in individuals with clinical features of hereditary hemorrhagic telangiectasia (PMID: 24001356, 26176610, 32503579; Invitae). ClinVar contains an entry for this variant (Variation ID: 2137372).

Literature cited by the submitters: PubMed 17576681; PubMed 9536098; PubMed 26176610; PubMed 24001356; PubMed 32503579.